The following is an entry in ClinVar:

ClinVar aggregate classification (germline): Conflicting classifications of pathogenicity. Review status: criteria provided, conflicting classifications (1 of 4 stars). 10 submissions from 10 submitters: Uncertain significance (8); Benign (1); Likely benign (1). Last evaluated 2026-03-04.

Conditions:
Tuberous sclerosis syndrome (TSC). Also called: Tuberous sclerosis; Tuberous Sclerosis Complex. Identifiers: Orphanet 805, MedGen C0041341, MONDO:0001734.
Tuberous sclerosis 2 (TSC2). Identifiers: Orphanet 805, MedGen C1860707, MONDO:0013199, OMIM 613254.
TSC2-related disorder. Also called: TSC2-related condition; TSC2-Related Disorders.
Hereditary cancer-predisposing syndrome. Also called: Neoplastic Syndromes, Hereditary; Hereditary Cancer Syndrome; Tumor predisposition; Hereditary neoplastic syndrome. Identifiers: Orphanet 140162, MedGen C0027672, MeSH D009386, MONDO:0015356.
Isolated focal cortical dysplasia type II (FCORD2). Also called: CORTICAL DYSPLASIA OF TAYLOR; Focal cortical dysplasia type II. Identifiers: Orphanet 268994, MedGen C1846385, MONDO:0011818, OMIM 607341, HP:0032051.
Lymphangiomyomatosis (LAM). Also called: Lymphangioleiomyomatosis; Lymphangioleiomyomatosis, somatic. Identifiers: Orphanet 538, MedGen C0751674, MONDO:0011705, OMIM 606690.

Allele frequency attached by ClinVar (database versions not stated): gnomAD 0.00001; TOPMed 0.00002; ESP Exome Variant Server 0.00008.
gnomAD v4.1: 6 of 1,613,410 alleles (0.00037%); highest among the groups gnomAD compares: Non-Finnish European, 0.00042%; no homozygotes.

Submissions (10):

Ambry Genetics
Classification: Likely benign for Hereditary cancer-predisposing syndrome. Last evaluated: 2026-03-04. Review status: criteria provided, single submitter. Criteria: Ambry Variant Classification Scheme 2023. Collection method: clinical testing. Allele origin: germline.

PreventionGenetics, part of Exact Sciences
Classification: Uncertain significance for TSC2-related condition. Last evaluated: 2025-12-17. Review status: criteria provided, single submitter. Criteria: ACMG Guidelines, 2015. Collection method: clinical testing. Allele origin: germline.
Comment: The TSC2 c.2780C>A variant is predicted to result in the amino acid substitution p.Thr927Asn. To our knowledge, this variant has not been reported in the literature. This variant is reported in 0.0065% of alleles in individuals of European (Non-Finnish) descent in gnomAD (gnomAD) and is interpreted as a variant of uncertain significance in the ClinVar database (Variation ID: 952008). At this time, the clinical significance of this variant is uncertain due to the absence of conclusive functional and genetic evidence.

Labcorp Genetics (formerly Invitae), Labcorp
Classification: Benign for Tuberous sclerosis 2. Last evaluated: 2025-11-12. Review status: criteria provided, single submitter. Criteria: Invitae Variant Classification Sherloc (09022015). Collection method: clinical testing. Allele origin: germline.

Quest Diagnostics Nichols Institute San Juan Capistrano
Classification: Uncertain significance. Last evaluated: 2025-10-18. Review status: criteria provided, single submitter. Criteria: Quest Diagnostics criteria. Collection method: clinical testing. Allele origin: unknown.

Color Diagnostics, LLC DBA Color Health
Classification: Uncertain significance for Tuberous sclerosis syndrome. Last evaluated: 2025-10-03. Review status: criteria provided, single submitter. Criteria: ACMG Guidelines, 2015. Collection method: clinical testing. Allele origin: germline.
Comment: This missense variant replaces threonine with asparagine at codon 927 of the TSC2 protein. Computational prediction suggests that this variant may not impact protein structure and function. To our knowledge, functional studies have not been reported for this variant. This variant has not been reported in individuals affected with TSC2-related disorders in the literature. This variant has been identified in 1/31338 chromosomes in the general population by the Genome Aggregation Database (gnomAD). The available evidence is insufficient to determine the role of this variant in disease conclusively. Therefore, this variant is classified as a Variant of Uncertain Significance.

All of Us Research Program, National Institutes of Health
Classification: Uncertain significance for Tuberous sclerosis syndrome. Last evaluated: 2023-06-26. Review status: criteria provided, single submitter. Criteria: ACMG Guidelines, 2015. Collection method: clinical testing. Allele origin: germline. Inheritance: Autosomal dominant inheritance. Observed: 1 variant allele, 1 heterozygote.
Comment: This missense variant replaces threonine with asparagine at codon 927 of the TSC2 protein. Computational prediction suggests that this variant may not impact protein structure and function (internally defined REVEL score threshold <= 0.5, PMID: 27666373). To our knowledge, functional studies have not been reported for this variant. This variant has not been reported in individuals affected with TSC2-related disorders in the literature. This variant has been identified in 1/31338 chromosomes in the general population by the Genome Aggregation Database (gnomAD). The available evidence is insufficient to determine the role of this variant in disease conclusively. Therefore, this variant is classified as a Variant of Uncertain Significance.

This study involves interpretation of variants in research participants for the purpose of population health screening. Participant phenotype was not available at the time of variant classification. Additional details can be found in publication PMID: 35346344, PMCID: PMC8962531

Fulgent Genetics
Classification: Uncertain significance for Lymphangiomyomatosis; Isolated focal cortical dysplasia type II; Tuberous sclerosis 2. Last evaluated: 2022-05-07. Review status: criteria provided, single submitter. Criteria: ACMG Guidelines, 2015. Collection method: clinical testing. Allele origin: unknown.

Genome-Nilou Lab
Classification: Uncertain significance for Tuberous sclerosis 2. Last evaluated: 2021-11-07. Review status: criteria provided, single submitter. Criteria: ACMG Guidelines, 2015. Collection method: clinical testing. Allele origin: germline. Affected: no.

Sema4
Classification: Uncertain significance for Hereditary cancer-predisposing syndrome. Last evaluated: 2021-09-13. Review status: criteria provided, single submitter. Criteria: Sema4 Curation Guidelines. Collection method: curation. Allele origin: germline.
Comment: To the best of our knowledge, the TSC2 c.2780C>A (p.T927N) variant has not been reported in individuals with TSC2-related disease. It was observed in 1/15402 chromosomes of the Non-Finnish European subpopulation in the large and broad cohorts of the Genome Aggregation Database (PMID: 32461654). The variant has been reported in ClinVar (Variation ID: 952008). Functional studies have not been performed, and in silico predictions of the variant's effect on protein function are inconclusive. The evidence is insufficient to meet ACMG/AMP criteria for classifying the variant as benign or pathogenic. Thus, the clinical significance of this variant is currently uncertain.

GeneDx
Classification: Uncertain significance. Last evaluated: 2020-02-28. Review status: criteria provided, single submitter. Criteria: GeneDx Variant Classification Process June 2021. Collection method: clinical testing. Allele origin: germline. Affected: yes.
Comment: In silico analysis supports that this missense variant does not alter protein structure/function; Has not been previously published as pathogenic or benign to our knowledge

NM_000548.5(TSC2):c.2780C>A (p.Thr927Asn)

Gene: TSC2 (TSC complex subunit 2; plus strand). Cytogenetic location: 16p13.3.
Variant type: single nucleotide variant.
Coding change: c.2780C>A on transcript NM_000548.5 (MANE Select); coding-DNA position 2780, C replaced by A.
Protein change: p.Thr927Asn; replaces threonine 927 with asparagine.
Molecular consequence: missense variant.
Genome position (GRCh38, 1-based): chr16:2,076,528, C>A. VCF-style: chr16-2076528-C-A. GRCh37 (hg19) VCF-style: chr16-2126529-C-A.
Other names: c.2780C>A (NM_000548.4); c.2780C>A, p.Thr927Asn (NM_001077183.3, NM_001114382.3, NM_001363528.2 and 3 more transcripts); c.2669C>A, p.Thr890Asn (NM_001318827.2); c.2633C>A, p.Thr878Asn (NM_001318829.2); c.2180C>A, p.Thr727Asn (NM_001318831.2); c.2813C>A, p.Thr938Asn (NM_001318832.2); short protein forms T938N, T878N, T890N, T727N, T927N.
Identifiers: ClinVar variation 952008 (VCV000952008.23), dbSNP rs144329595, ClinGen allele CA276742096.